The following is an entry in ClinVar:

NM_024312.5(GNPTAB):c.1818G>A (p.Met606Ile)

Gene: GNPTAB (N-acetylglucosamine-1-phosphate transferase subunits alpha and beta; minus strand). Cytogenetic location: 12q23.2.
Variant type: single nucleotide variant.
Coding change: c.1818G>A on transcript NM_024312.5 (MANE Select); coding-DNA position 1818, G replaced by A.
Protein change: p.Met606Ile; replaces methionine 606 with isoleucine.
Molecular consequence: missense variant.
Genome position (GRCh38, 1-based): chr12:101,765,099, C>T on the plus strand (G>A on the coding strand, the complement: GNPTAB is on the minus strand). VCF-style: chr12-101765099-C-T. GRCh37 (hg19) VCF-style: chr12-102158877-C-T.
Other names: short protein forms M606I.
Identifiers: ClinVar variation 1302532 (VCV001302532.2), dbSNP rs770996690, ClinGen allele CA6746524.

ClinVar aggregate classification (germline): Uncertain significance (1 of 4 stars; one submission).

Allele frequency attached by ClinVar (database versions not stated): gnomAD exomes 0.00003 and 0.00004; gnomAD 0.00004; ExAC 0.00006; TOPMed 0.00006.
gnomAD v4.1: 58 of 1,613,980 alleles (0.0036%); highest among the groups gnomAD compares: Middle Eastern, 0.033%; no homozygotes.

Submission:

GeneDx
Classification: Uncertain significance. Last evaluated: 2021-04-28. Review status: criteria provided, single submitter. Criteria: GeneDx Variant Classification Process June 2021. Collection method: clinical testing. Allele origin: germline. Affected: yes.
Comment: Not observed at a significant frequency in large population cohorts (Lek et al., 2016); In silico analysis supports that this missense variant does not alter protein structure/function; This variant is associated with the following publications: (PMID: 30548430)